The following is an entry in ClinVar:

NM_001985.3(ETFB):c.386dup (p.Asp129fs)

Gene: ETFB (electron transfer flavoprotein subunit beta; minus strand). Cytogenetic location: 19q13.41.
Variant type: Duplication.
Coding change: c.386dup on transcript NM_001985.3 (MANE Select); coding-DNA position 386, one base duplicated (A; older notation c.386dupA).
Protein change: p.Asp129fs; shifts the reading frame from aspartic acid 129.
Molecular consequence: frameshift variant.
Genome position (GRCh38, 1-based): chr19:51,350,381, T duplicated on the plus strand (A on the coding strand, the reverse complement: ETFB is on the minus strand). VCF-style (leftmost placement, unchanged base first): chr19-51350380-A-AT. GRCh37 (hg19) VCF-style: chr19-51853634-A-AT.
Other names: c.659dup, p.Asp220fs (NM_001014763.1); short protein forms D220fs, D129fs.
Identifiers: ClinVar variation 2812844 (VCV002812844.3), dbSNP rs2514149482, ClinGen allele CA2739276957.

ClinVar aggregate classification (germline): Pathogenic (1 of 4 stars; one submission).

Conditions:
Multiple acyl-CoA dehydrogenase deficiency (MADD). Also called: Glutaric aciduria, type 2; Glutaric acidemia type II; GA 2; Glutaric Acidemia type 2; ETHYLMALONIC-ADIPICACIDURIA; GA II. Identifiers: Orphanet 26791, MedGen C0268596, MONDO:0009282, OMIM 231680.

Submission:

Labcorp Genetics (formerly Invitae), Labcorp
Classification: Pathogenic for Multiple acyl-CoA dehydrogenase deficiency. Last evaluated: 2022-11-10. Review status: criteria provided, single submitter. Criteria: Invitae Variant Classification Sherloc (09022015). Collection method: clinical testing. Allele origin: germline.
Comment: This sequence change creates a premature translational stop signal (p.Asp129Glufs*2) in the ETFB gene. It is expected to result in an absent or disrupted protein product. Loss-of-function variants in ETFB are known to be pathogenic (PMID: 16510302, 23785301). This variant is not present in population databases (gnomAD no frequency). This variant has not been reported in the literature in individuals affected with ETFB-related conditions. For these reasons, this variant has been classified as Pathogenic.

Literature cited by the submitters: PubMed 16510302; PubMed 23785301.